The following is an entry in ClinVar:

NM_002528.7(NTHL1):c.811A>C (p.Asn271His)

Gene: NTHL1 (nth like DNA glycosylase 1; minus strand). Cytogenetic location: 16p13.3.
Variant type: single nucleotide variant.
Coding change: c.811A>C on transcript NM_002528.7 (MANE Select); coding-DNA position 811, A replaced by C.
Protein change: p.Asn271His; replaces asparagine 271 with histidine.
Molecular consequence: missense variant.
Genome position (GRCh38, 1-based): chr16:2,040,028, T>G on the plus strand (A>C on the coding strand, the complement: NTHL1 is on the minus strand). VCF-style: chr16-2040028-T-G. GRCh37 (hg19) VCF-style: chr16-2090029-T-G.
Other names: c.640A>C, p.Asn214His (NM_001318193.2); c.481A>C, p.Asn161His (NM_001318194.2); c.835A>C (NM_002528.5); short protein forms N161H, N214H, N271H.
Identifiers: ClinVar variation 2169278 (VCV002169278.5), dbSNP rs1376479687, ClinGen allele CA394287505.

ClinVar aggregate classification (germline): Uncertain significance. Review status: criteria provided, multiple submitters, no conflicts (2 of 4 stars). 2 submissions from 2 submitters: Uncertain significance (2). Last evaluated 2023-11-14.

Conditions:
Hereditary cancer-predisposing syndrome. Also called: Hereditary neoplastic syndrome; Neoplastic Syndromes, Hereditary; Hereditary Cancer Syndrome; Tumor predisposition. Identifiers: Orphanet 140162, MedGen C0027672, MeSH D009386, MONDO:0015356.

Submissions (2):

Ambry Genetics
Classification: Uncertain significance for Hereditary cancer-predisposing syndrome. Last evaluated: 2023-11-14. Review status: criteria provided, single submitter. Criteria: Ambry Variant Classification Scheme 2023. Collection method: clinical testing. Allele origin: germline.
Comment: The p.N279H variant (also known as c.835A>C), located in coding exon 6 of the NTHL1 gene, results from an A to C substitution at nucleotide position 835. The asparagine at codon 279 is replaced by histidine, an amino acid with similar properties. This amino acid position is highly conserved in available vertebrate species. In addition, the in silico prediction for this alteration is inconclusive. Since supporting evidence is limited at this time, the clinical significance of this alteration remains unclear.

Labcorp Genetics (formerly Invitae), Labcorp
Classification: Uncertain significance. Last evaluated: 2022-08-11. Review status: criteria provided, single submitter. Criteria: Invitae Variant Classification Sherloc (09022015). Collection method: clinical testing. Allele origin: germline.
Comment: Algorithms developed to predict the effect of missense changes on protein structure and function are either unavailable or do not agree on the potential impact of this missense change (SIFT: "Not Available"; PolyPhen-2: "Probably Damaging"; Align-GVGD: "Not Available"). This sequence change replaces asparagine, which is neutral and polar, with histidine, which is basic and polar, at codon 279 of the NTHL1 protein (p.Asn279His). This variant is not present in population databases (gnomAD no frequency). This variant has not been reported in the literature in individuals affected with NTHL1-related conditions. In summary, the available evidence is currently insufficient to determine the role of this variant in disease. Therefore, it has been classified as a Variant of Uncertain Significance.